The following is an entry in ClinVar:

ClinVar aggregate classification (germline): Uncertain significance (1 of 4 stars; one submission).

Submission:

Labcorp Genetics (formerly Invitae), Labcorp
Classification: Uncertain significance. Last evaluated: 2022-09-03. Review status: criteria provided, single submitter. Criteria: Invitae Variant Classification Sherloc (09022015). Collection method: clinical testing. Allele origin: germline.
Comment: In summary, the available evidence is currently insufficient to determine the role of this variant in disease. Therefore, it has been classified as a Variant of Uncertain Significance. Experimental studies and prediction algorithms are not available or were not evaluated, and the functional significance of this variant is currently unknown. This variant has not been reported in the literature in individuals affected with IRF2BP2-related conditions. This variant is not present in population databases (gnomAD no frequency). This sequence change creates a premature translational stop signal (p.Tyr548*) in the IRF2BP2 gene. While this is not anticipated to result in nonsense mediated decay, it is expected to disrupt the last 40 amino acid(s) of the IRF2BP2 protein.

NM_182972.3(IRF2BP2):c.1644T>G (p.Tyr548Ter)

Gene: IRF2BP2 (interferon regulatory factor 2 binding protein 2; minus strand). Cytogenetic location: 1q42.3.
Variant type: single nucleotide variant.
Coding change: c.1644T>G on transcript NM_182972.3 (MANE Select); coding-DNA position 1644, T replaced by G.
Protein change: p.Tyr548Ter; replaces tyrosine 548 with a stop codon.
Molecular consequence: nonsense.
Genome position (GRCh38, 1-based): chr1:234,607,257, A>C on the plus strand (T>G on the coding strand, the complement: IRF2BP2 is on the minus strand). VCF-style: chr1-234607257-A-C. GRCh37 (hg19) VCF-style: chr1-234743003-A-C.
Other names: c.1596T>G, p.Tyr532Ter (NM_001077397.1); short protein forms Y532*, Y548*.
Identifiers: ClinVar variation 2028743 (VCV002028743.4), dbSNP rs2528513123, ClinGen allele CA345305045.